The following is an entry in ClinVar:

NM_006306.4(SMC1A):c.1876C>T (p.Arg626Cys)

Gene: SMC1A (structural maintenance of chromosomes 1A; minus strand). Cytogenetic location: Xp11.22.
Variant type: single nucleotide variant.
Coding change: c.1876C>T on transcript NM_006306.4 (MANE Select); coding-DNA position 1876, C replaced by T.
Protein change: p.Arg626Cys; replaces arginine 626 with cysteine.
Molecular consequence: missense variant.
Genome position (GRCh38, 1-based): chrX:53,405,528, G>A on the plus strand (C>T on the coding strand, the complement: SMC1A is on the minus strand). VCF-style: chrX-53405528-G-A. GRCh37 (hg19) VCF-style: chrX-53432460-G-A.
Other names: c.1876C>T (NM_006306.2); c.1810C>T, p.Arg604Cys (NM_001281463.1); short protein forms R604C, R626C.
Identifiers: ClinVar variation 532570 (VCV000532570.9), dbSNP rs1556889577, ClinGen allele CA413252792.

ClinVar aggregate classification (germline): Uncertain significance. Review status: criteria provided, multiple submitters, no conflicts (2 of 4 stars). 2 submissions from 2 submitters: Uncertain significance (2). Last evaluated 2023-08-31.

Conditions:
Congenital muscular hypertrophy-cerebral syndrome (CDLS2). Also called: SMC1A-Related Cornelia de Lange Syndrome; Cornelia de Lange syndrome 2. Identifiers: Orphanet 199, MedGen C1802395, MONDO:0010370, OMIM 300590.

Allele frequency attached by ClinVar (database versions not stated): gnomAD exomes below 0.00001; TOPMed 0.00001.
gnomAD v4.1: 2 of 1,212,072 alleles (0.00017%); highest among the groups gnomAD compares: Non-Finnish European, 0.00022%; no homozygotes.

Submissions (2):

Labcorp Genetics (formerly Invitae), Labcorp
Classification: Uncertain significance for Congenital muscular hypertrophy-cerebral syndrome. Last evaluated: 2023-08-31. Review status: criteria provided, single submitter. Criteria: Invitae Variant Classification Sherloc (09022015). Collection method: clinical testing. Allele origin: germline.
Comment: In summary, the available evidence is currently insufficient to determine the role of this variant in disease. Therefore, it has been classified as a Variant of Uncertain Significance. Advanced modeling of protein sequence and biophysical properties (such as structural, functional, and spatial information, amino acid conservation, physicochemical variation, residue mobility, and thermodynamic stability) performed at Invitae indicates that this missense variant is expected to disrupt SMC1A protein function. ClinVar contains an entry for this variant (Variation ID: 532570). This variant has not been reported in the literature in individuals affected with SMC1A-related conditions. This variant is not present in population databases (gnomAD no frequency). This sequence change replaces arginine, which is basic and polar, with cysteine, which is neutral and slightly polar, at codon 626 of the SMC1A protein (p.Arg626Cys).

GeneDx
Classification: Uncertain significance. Last evaluated: 2022-12-27. Review status: criteria provided, single submitter. Criteria: GeneDx Variant Classification Process June 2021. Collection method: clinical testing. Allele origin: germline. Affected: yes.
Comment: Not observed at significant frequency in large population cohorts (gnomAD); Missense variants in this gene are often considered pathogenic (HGMD); In silico analysis supports that this missense variant has a deleterious effect on protein structure/function; Has not been previously published as pathogenic or benign to our knowledge